The following is an entry in ClinVar:

NM_000051.4(ATM):c.5894_5900dup (p.Met1967fs)

Genes: ATM (ATM serine/threonine kinase; plus strand), C11orf65 (chromosome 11 open reading frame 65; minus strand). Cytogenetic location: 11q22.3.
Variant type: Duplication.
Coding change: c.5894_5900dup on transcript NM_000051.4 (MANE Select); coding-DNA positions 5894 to 5900, 7 bases duplicated (AAAGTAT; older notation c.5894_5900dupAAAGTAT).
Protein change: p.Met1967fs; shifts the reading frame from methionine 1967.
Molecular consequence: frameshift variant. On other transcripts: intron variant (2).
Genome position (GRCh38, 1-based): chr11:108,310,291-108,310,297, AAAGTAT duplicated. VCF-style (leftmost placement, unchanged base first): chr11-108310290-A-AAAAGTAT. GRCh37 (hg19) VCF-style: chr11-108181017-A-AAAAGTAT.
Other names: c.5894_5900dupAAAGTAT (NM_000051.3); c.5894_5900dup, p.Met1967fs (NM_001351834.2); c.641-1226_641-1220dup (NM_001330368.2); c.*39-1226_*39-1220dup (NM_001351110.2); short protein forms M1967fs.
Identifiers: ClinVar variation 419910 (VCV000419910.18), dbSNP rs1555110517, ClinGen allele CA16619205.

ClinVar aggregate classification (germline): Pathogenic/Likely pathogenic. Review status: criteria provided, multiple submitters, no conflicts (2 of 4 stars). 5 submissions from 5 submitters: Pathogenic (4); Likely pathogenic (1). Last evaluated 2025-09-26.

Conditions:
Hereditary cancer-predisposing syndrome. Also called: Neoplastic Syndromes, Hereditary; Hereditary Cancer Syndrome; Tumor predisposition; Hereditary neoplastic syndrome. Identifiers: Orphanet 140162, MedGen C0027672, MeSH D009386, MONDO:0015356.
Ataxia-telangiectasia syndrome (AT). Also called: LOUIS-BAR SYNDROME; Cerebello-oculocutaneous telangiectasia; Immunodeficiency with ataxia telangiectasia; Ataxia-telangiectasia, complementation group D; AT, COMPLEMENTATION GROUP C; Ataxia-telangiectasia, complementation group E. Identifiers: Orphanet 100, MedGen C0004135, MONDO:0008840, OMIM 208900.
Familial cancer of breast. Also called: Hereditary breast cancer; BREAST CANCER, FAMILIAL; hereditary breast carcinoma. Identifiers: Orphanet 227535, MedGen C0346153, MONDO:0016419, OMIM 114480. Disease mechanism: loss of function.

Submissions (5):

Ambry Genetics
Classification: Pathogenic for Hereditary cancer-predisposing syndrome. Last evaluated: 2025-09-26. Review status: criteria provided, single submitter. Criteria: Ambry Variant Classification Scheme 2023. Collection method: clinical testing. Allele origin: germline.
Comment: The c.5894_5900dupAAAGTAT pathogenic mutation, located in coding exon 38 of the ATM gene, results from a duplication of AAAGTAT at nucleotide position 5894, causing a translational frameshift with a predicted alternate stop codon (p.M1967Ifs*5). This variant is considered to be rare based on population cohorts in the Genome Aggregation Database (gnomAD). This alteration is expected to result in loss of function by premature protein truncation or nonsense-mediated mRNA decay. As such, this alteration is interpreted as a disease-causing mutation.

Labcorp Genetics (formerly Invitae), Labcorp
Classification: Pathogenic for Ataxia-telangiectasia syndrome. Last evaluated: 2024-10-30. Review status: criteria provided, single submitter. Criteria: Invitae Variant Classification Sherloc (09022015). Collection method: clinical testing. Allele origin: germline.
Comment: This sequence change creates a premature translational stop signal (p.Met1967Ilefs*5) in the ATM gene. It is expected to result in an absent or disrupted protein product. Loss-of-function variants in ATM are known to be pathogenic (PMID: 23807571, 25614872). This variant is not present in population databases (gnomAD no frequency). This variant has not been reported in the literature in individuals affected with ATM-related conditions. ClinVar contains an entry for this variant (Variation ID: 419910). For these reasons, this variant has been classified as Pathogenic.

Myriad Genetics, Inc.
Classification: Pathogenic for Familial cancer of breast. Last evaluated: 2024-01-26. Review status: criteria provided, single submitter. Criteria: Myriad Autosomal Dominant, Autosomal Recessive and X-Linked Classification Criteria (2023). Collection method: clinical testing. Allele origin: unknown.
Comment: This variant is considered pathogenic. This variant creates a frameshift predicted to result in premature protein truncation.

Color Diagnostics, LLC DBA Color Health
Classification: Pathogenic for Hereditary cancer-predisposing syndrome. Last evaluated: 2020-04-20. Review status: criteria provided, single submitter. Criteria: ACMG Guidelines, 2015. Collection method: clinical testing. Allele origin: germline.
Comment: This variant inserts 7 nucleotides in exon 39 of the ATM gene, creating a frameshift and premature translation stop signal. This variant is expected to result in an absent or non-functional protein product. To our knowledge, this variant has not been reported in individuals affected with hereditary cancer in the literature. This variant has not been identified in the general population by the Genome Aggregation Database (gnomAD). Loss of ATM function is a known mechanism of disease. Based on the available evidence, this variant is classified as Pathogenic.

GeneDx
Classification: Likely pathogenic. Last evaluated: 2015-10-08. Review status: criteria provided, single submitter. Criteria: GeneDx Variant Classification (06012015). Collection method: clinical testing. Allele origin: germline. Affected: yes.
Comment: This duplication of 7 nucleotides in ATM is denoted c.5894_5900dupAAAGTAT at the cDNA level and p.Met1967IlefsX5 (M1967IfsX5) at the protein level. The normal sequence, with the bases that are duplicated in braces, is AAGA[AAAGTAT]GGAT. The duplication causes a frameshift, which changes a Methionine to an Isoleucine at codon 1967, and creates a premature stop codon at position 5 of the new reading frame. Although this variant has not, to our knowledge, been reported in the literature, it is predicted to cause loss of normal protein function through either protein truncation or nonsense-mediated mRNA decay. Based on the currently available information, we consider this duplication to be a likely pathogenic variant.

Literature cited by the submitters: PubMed 23807571 (cited by Labcorp Genetics (formerly Invitae), Labcorp); PubMed 25614872 (cited by Labcorp Genetics (formerly Invitae), Labcorp).